The following is an entry in ClinVar:

ClinVar aggregate classification (germline): Likely pathogenic (1 of 4 stars; one submission).

Conditions:
Infantile nephronophthisis (NPHP2). Also called: Nephronophthisis 2, infantile; Nephronophthisis 2. Identifiers: Orphanet 655, Orphanet 93591, MedGen C1865872, MONDO:0011190, OMIM 602088.

Submission:

Breakthrough Genomics
Classification: Likely pathogenic for Infantile nephronophthisis. Last evaluated: 2023-08-04. Review status: criteria provided, single submitter. Criteria: ACMG Guidelines, 2015. Collection method: clinical testing. Allele origin: germline. Affected: yes.
Comment: This variant is predicted to cause a premature termination of the protein and the resultant protein will likely to lack IQ 1 and IQ 2 domain, D-box 2 motif of the protein; this will likely result in loss-of-function. Due to the introduction of a premature stop codon, this aberrant transcript will likely be targeted by the nonsense-mediated mRNA decay (NMD) mechanism [PMID: 15040442]. This variant seems to be a novel variant, as it has not been previously reported in population databases or in the literature. Loss-of-function variants in INVS are known to be pathogenic [PMID: 12872123].

NM_014425.5(INVS):c.1404T>A (p.Tyr468Ter)

Gene: INVS (inversin; plus strand). Cytogenetic location: 9q31.1.
Variant type: single nucleotide variant.
Coding change: c.1404T>A on transcript NM_014425.5 (MANE Select); coding-DNA position 1404, T replaced by A.
Protein change: p.Tyr468Ter; replaces tyrosine 468 with a stop codon.
Molecular consequence: nonsense. On other transcripts: non-coding transcript variant (1).
Genome position (GRCh38, 1-based): chr9:100,253,076, T>A. VCF-style: chr9-100253076-T-A. GRCh37 (hg19) VCF-style: chr9-103015358-T-A.
Other names: p.Tyr468Ter; c.1116T>A, p.Tyr372Ter (NM_001318381.2); c.426T>A, p.Tyr142Ter (NM_001318382.2); short protein forms Y142*, Y372*, Y468*.
Identifiers: ClinVar variation 3255590 (VCV003255590.2).